The following is an entry in ClinVar:

ClinVar aggregate classification (germline): Likely benign. Review status: criteria provided, multiple submitters, no conflicts (2 of 4 stars). 2 submissions from 2 submitters: Likely benign (2). Last evaluated 2023-09-17.

Conditions:
Long QT syndrome (LQTS). Identifiers: MedGen C0023976, MeSH D008133, MONDO:0002442. Disease mechanism: loss of function. Inheritance: Various modes of inheritance.
Cardiac arrhythmia. Also called: Arrhythmia; Cardiac rhythm disease. Identifiers: MedGen C0003811, MONDO:0007263, HP:0011675.

gnomAD v4.1: 5 of 1,613,252 alleles (0.00031%); highest among the groups gnomAD compares: Non-Finnish European, 0.00034%; no homozygotes.

Submissions (2):

All of Us Research Program, National Institutes of Health
Classification: Likely benign for Long QT syndrome. Last evaluated: 2023-09-17. Review status: criteria provided, single submitter. Criteria: ACMG Guidelines, 2015. Collection method: clinical testing. Allele origin: germline. Inheritance: Autosomal dominant inheritance. Observed: 1 variant allele, 1 heterozygote.
Comment: This study involves interpretation of variants in research participants for the purpose of population health screening. Participant phenotype was not available at the time of variant classification. Additional details can be found in publication PMID: 35346344, PMCID: PMC8962531

Color Diagnostics, LLC DBA Color Health
Classification: Likely benign for Cardiac arrhythmia. Last evaluated: 2021-01-19. Review status: criteria provided, single submitter. Criteria: ACMG Guidelines, 2015. Collection method: clinical testing. Allele origin: germline.

NM_000218.3(KCNQ1):c.1332G>T (p.Thr444=)

Gene: KCNQ1 (potassium voltage-gated channel subfamily Q member 1; plus strand). Cytogenetic location: 11p15.5.
Variant type: single nucleotide variant.
Coding change: c.1332G>T on transcript NM_000218.3 (MANE Select); coding-DNA position 1332, G replaced by T.
Protein change: p.Thr444=; no amino-acid change (threonine 444 retained).
Molecular consequence: synonymous variant.
Genome position (GRCh38, 1-based): chr11:2,588,793, G>T. VCF-style: chr11-2588793-G-T. GRCh37 (hg19) VCF-style: chr11-2610023-G-T.
Other names: c.1236G>T, p.Thr412= (NM_001406836.1); c.1062G>T, p.Thr354= (NM_001406837.1); c.792G>T, p.Thr264= (NM_001406838.1); c.951G>T, p.Thr317= (NM_181798.2).
Identifiers: ClinVar variation 1171288 (VCV001171288.6), dbSNP rs144985256, ClinGen allele CA028671.